The following is an entry in ClinVar:

ClinVar aggregate classification (germline): Uncertain significance. Review status: criteria provided, multiple submitters, no conflicts (2 of 4 stars). 2 submissions from 2 submitters: Uncertain significance (2). Last evaluated 2024-10-28.

Conditions:
Inborn genetic diseases. Identifiers: MedGen C0950123, MeSH D030342.

Allele frequency attached by ClinVar (database versions not stated): gnomAD exomes below 0.00001.
gnomAD v4.1: 1 of 1,612,386 alleles (0.000062%); highest among the groups gnomAD compares: South Asian, 0.0011%; no homozygotes.

Submissions (2):

Blueprint Genetics
Classification: Uncertain significance. Last evaluated: 2024-10-28. Review status: criteria provided, single submitter. Criteria: ACMG Guidelines, 2015. Collection method: clinical testing. Allele origin: germline.

Ambry Genetics
Classification: Uncertain significance for Inborn genetic diseases. Last evaluated: 2016-11-18. Review status: criteria provided, single submitter. Criteria: Ambry Variant Classification Scheme 2023. Collection method: clinical testing. Allele origin: germline.
Comment: The p.P2139S variant (also known as c.6415C>T), located in coding exon 7 of the ANKRD11 gene, results from a C to T substitution at nucleotide position 6415. The proline at codon 2139 is replaced by serine, an amino acid with similar properties. This variant was not reported in population based cohorts in the following databases: Database of Single Nucleotide Polymorphisms (dbSNP), NHLBI Exome Sequencing Project (ESP), and 1000 Genomes Project. In the ESP, this variant was not observed in 6409 samples (12818 alleles) with coverage at this position. This amino acid position is highly conserved in available vertebrate species. In addition, this alteration is predicted to be tolerated by in silico analysis. Since supporting evidence is limited at this time, the clinical significance of this variant remains unclear.

NM_013275.6(ANKRD11):c.6415C>T (p.Pro2139Ser)

Gene: ANKRD11 (ankyrin repeat domain 11; minus strand). Cytogenetic location: 16q24.3.
Variant type: single nucleotide variant.
Coding change: c.6415C>T on transcript NM_013275.6 (MANE Select); coding-DNA position 6415, C replaced by T.
Protein change: p.Pro2139Ser; replaces proline 2139 with serine.
Molecular consequence: missense variant.
Genome position (GRCh38, 1-based): chr16:89,280,127, G>A on the plus strand (C>T on the coding strand, the complement: ANKRD11 is on the minus strand). VCF-style: chr16-89280127-G-A. GRCh37 (hg19) VCF-style: chr16-89346535-G-A.
Other names: c.6415C>T, p.Pro2139Ser (NM_001256182.2, NM_001256183.2); short protein forms P2139S.
Identifiers: ClinVar variation 588462 (VCV000588462.6), dbSNP rs1567557350, ClinGen allele CA397151196.
Genomic context (GRCh38, chr16:89,280,127, plus strand): 5'-TTTCTTCCACGGGTTCCGCTTCACCATCTGCGGCATCTTTAGTCTGCAGGGGAAGCTCCG[G>A]CAGGGAGAAGGGCCCCAGGTCCAGGTCGTCCTCGGGGCCGGCGAAGGCGTCCGCCCAGGG-3'
Protein context (NP_037407.4, residues 2129-2149): DDLDLGPFSL[Pro2139Ser]ELPLQTKDAA